The following is an entry in ClinVar:

ClinVar aggregate classification (germline): Uncertain significance (1 of 4 stars; one submission).

Conditions:
Familial cancer of breast. Also called: BREAST CANCER, FAMILIAL; hereditary breast carcinoma; Hereditary breast cancer. Identifiers: Orphanet 227535, MedGen C0346153, MONDO:0016419, OMIM 114480. Disease mechanism: loss of function.

Submission:

Labcorp Genetics (formerly Invitae), Labcorp
Classification: Uncertain significance for Familial cancer of breast. Last evaluated: 2022-10-05. Review status: criteria provided, single submitter. Criteria: Invitae Variant Classification Sherloc (09022015). Collection method: clinical testing. Allele origin: germline.
Comment: In summary, the available evidence is currently insufficient to determine the role of this variant in disease. Therefore, it has been classified as a Variant of Uncertain Significance. Algorithms developed to predict the effect of missense changes on protein structure and function output the following: SIFT: "Tolerated"; PolyPhen-2: "Benign"; Align-GVGD: "Class C0". The histidine amino acid residue is found in multiple mammalian species, which suggests that this missense change does not adversely affect protein function. This variant has not been reported in the literature in individuals affected with BARD1-related conditions. This variant is not present in population databases (gnomAD no frequency). This sequence change replaces glutamine, which is neutral and polar, with histidine, which is basic and polar, at codon 285 of the BARD1 protein (p.Gln285His).

NM_000465.4(BARD1):c.855A>C (p.Gln285His)

Gene: BARD1 (BRCA1 associated RING domain 1; minus strand). Cytogenetic location: 2q35.
Variant type: single nucleotide variant.
Coding change: c.855A>C on transcript NM_000465.4 (MANE Select); coding-DNA position 855, A replaced by C.
Protein change: p.Gln285His; replaces glutamine 285 with histidine.
Molecular consequence: missense variant. On other transcripts: non-coding transcript variant (2), intron variant (3).
Genome position (GRCh38, 1-based): chr2:214,781,019, T>G on the plus strand (A>C on the coding strand, the complement: BARD1 is on the minus strand). VCF-style: chr2-214781019-T-G. GRCh37 (hg19) VCF-style: chr2-215645743-T-G.
Other names: c.798A>C, p.Gln266His (NM_001282543.2); c.158+28393A>C (NM_001282548.2); c.215+16042A>C (NM_001282545.2); c.364+11278A>C (NM_001282549.2); short protein forms Q266H, Q285H.
Identifiers: ClinVar variation 1720996 (VCV001720996.5), dbSNP rs1694987168, ClinGen allele CA350455219.